The following is an entry in ClinVar:

ClinVar aggregate classification (germline): Uncertain significance (1 of 4 stars; one submission).

Conditions:
2-aminoadipic 2-oxoadipic aciduria (AAKAD). Also called: ALPHA-AMINOADIPIC AND ALPHA-KETOADIPIC ACIDURIA; Aminoadipic aciduria. Identifiers: Orphanet 79154, MedGen C1859817, MONDO:0008774, OMIM 204750.

Submission:

Labcorp Genetics (formerly Invitae), Labcorp
Classification: Uncertain significance for 2-aminoadipic 2-oxoadipic aciduria. Last evaluated: 2021-07-12. Review status: criteria provided, single submitter. Criteria: Invitae Variant Classification Sherloc (09022015). Collection method: clinical testing. Allele origin: germline.
Comment: This sequence change replaces histidine with arginine at codon 203 of the DHTKD1 protein (p.His203Arg). The histidine residue is moderately conserved and there is a small physicochemical difference between histidine and arginine. This variant is not present in population databases (ExAC no frequency). This variant has not been reported in the literature in individuals affected with DHTKD1-related conditions. Algorithms developed to predict the effect of missense changes on protein structure and function (SIFT, PolyPhen-2, Align-GVGD) all suggest that this variant is likely to be tolerated. In summary, the available evidence is currently insufficient to determine the role of this variant in disease. Therefore, it has been classified as a Variant of Uncertain Significance.

NM_018706.7(DHTKD1):c.608A>G (p.His203Arg)

Gene: DHTKD1 (dehydrogenase E1 and transketolase domain containing 1; plus strand). Cytogenetic location: 10p14.
Variant type: single nucleotide variant.
Coding change: c.608A>G on transcript NM_018706.7 (MANE Select); coding-DNA position 608, A replaced by G.
Protein change: p.His203Arg; replaces histidine 203 with arginine.
Molecular consequence: missense variant.
Genome position (GRCh38, 1-based): chr10:12,087,620, A>G. VCF-style: chr10-12087620-A-G. GRCh37 (hg19) VCF-style: chr10-12129619-A-G.
Other names: short protein forms H203R.
Identifiers: ClinVar variation 1462260 (VCV001462260.8), dbSNP rs2131357346, ClinGen allele CA376018113.